The following is an entry in ClinVar:

NM_001040108.2(MLH3):c.4155C>T (p.Ser1385=)

Gene: MLH3 (mutL homolog 3; minus strand). Cytogenetic location: 14q24.3.
Variant type: single nucleotide variant.
Coding change: c.4155C>T on transcript NM_001040108.2 (MANE Select); coding-DNA position 4155, C replaced by T.
Protein change: p.Ser1385=; no amino-acid change (serine 1385 retained).
Molecular consequence: synonymous variant.
Genome position (GRCh38, 1-based): chr14:75,018,916, G>A on the plus strand (C>T on the coding strand, the complement: MLH3 is on the minus strand). VCF-style: chr14-75018916-G-A. GRCh37 (hg19) VCF-style: chr14-75485619-G-A.
Other names: c.4083C>T, p.Ser1361= (NM_014381.3).
Identifiers: ClinVar variation 1454977 (VCV001454977.14), dbSNP rs766537456, ClinGen allele CA7275212.

ClinVar aggregate classification (germline): Benign/Likely benign. Review status: criteria provided, multiple submitters, no conflicts (2 of 4 stars). 5 submissions from 5 submitters: Benign (1); Likely benign (3). 1 of the submissions does not count toward it. Last evaluated 2026-05-06.

Conditions:
MLH3-related disorder. Also called: MLH3-related condition.
Colorectal cancer, hereditary nonpolyposis, type 7. Identifiers: Orphanet 144, MedGen C1858380, MONDO:0013725, OMIM 614385.

Allele frequency attached by ClinVar (database versions not stated): ExAC 0.00002; gnomAD exomes 0.00001; gnomAD 0.00003; TOPMed 0.00002.
gnomAD v4.1: 13 of 1,614,060 alleles (0.00081%); highest among the groups gnomAD compares: Non-Finnish European, 0.0011%; no homozygotes.

Submissions (5):

Myriad Genetics, Inc.
Classification: Benign for Colorectal cancer, hereditary nonpolyposis, type 7. Last evaluated: 2026-05-06. Review status: criteria provided, single submitter. Criteria: Myriad Autosomal Dominant, Autosomal Recessive and X-Linked Classification Criteria (2023). Collection method: clinical testing. Allele origin: unknown.
Comment: This variant is considered benign. This variant is a silent/synonymous amino acid change and it is not expected to impact splicing.

Center for Genomic Medicine, Rigshospitalet, Copenhagen University Hospital
Classification: Likely benign. Last evaluated: 2025-12-29. Review status: criteria provided, single submitter. Criteria: ACMG Guidelines, 2015. Collection method: clinical testing. Allele origin: germline.

Labcorp Genetics (formerly Invitae), Labcorp
Classification: Likely benign for Colorectal cancer, hereditary nonpolyposis, type 7. Last evaluated: 2022-05-18. Review status: criteria provided, single submitter. Criteria: Invitae Variant Classification Sherloc (09022015). Collection method: clinical testing. Allele origin: germline.

Ambry Genetics
Classification: Likely benign. Last evaluated: 2022-03-16. Review status: criteria provided, single submitter. Criteria: Ambry Variant Classification Scheme 2023. Collection method: clinical testing. Allele origin: germline.

PreventionGenetics, part of Exact Sciences
Classification: Likely benign for MLH3-related condition. Last evaluated: 2023-08-10. Review status: no assertion criteria provided. Collection method: clinical testing. Allele origin: germline. Not counted in ClinVar's aggregate classification.
Comment: This variant is classified as likely benign based on ACMG/AMP sequence variant interpretation guidelines (Richards et al. 2015 PMID: 25741868, with internal and published modifications).